The following is an entry in ClinVar:

NM_001348716.2(KDM6B):c.4611-133A>T

Gene: KDM6B (lysine demethylase 6B; plus strand). Cytogenetic location: 17p13.1.
Variant type: single nucleotide variant.
Coding change: c.4611-133A>T on transcript NM_001348716.2 (MANE Select); 133 bases into the intron before coding-DNA position 4611, A replaced by T.
Molecular consequence: intron variant.
Genome position (GRCh38, 1-based): chr17:7,852,867, A>T. VCF-style: chr17-7852867-A-T. GRCh37 (hg19) VCF-style: chr17-7756185-A-T.
Other names: c.4611-133A>T (NM_001080424.2).
Identifiers: ClinVar variation 4840890 (VCV004840890.1).

ClinVar aggregate classification (germline): Uncertain significance (1 of 4 stars; one submission).

Conditions:
Inborn genetic diseases. Identifiers: MedGen C0950123, MeSH D030342.

Submission:

Ambry Genetics
Classification: Uncertain significance for Inborn genetic diseases. Last evaluated: 2026-03-10. Review status: criteria provided, single submitter. Criteria: Ambry Variant Classification Scheme 2023. Collection method: clinical testing. Allele origin: germline.
Comment: The c.4611-133A>T intronic alteration consists of an A to T substitution 133 nucleotides before exon 21 (coding exon 18) of the KDM6B gene. This variant was not reported in population-based cohorts in the Genome Aggregation Database (gnomAD). This nucleotide position is not well conserved in available vertebrate species. In silico splice site analysis predicts that this alteration may result in the creation or strengthening of a novel splice donor site. Based on insufficient or conflicting evidence, the clinical significance of this alteration remains unclear.